The following is an entry in ClinVar:

ClinVar aggregate classification (germline): Uncertain significance (1 of 4 stars; one submission).

Conditions:
Joubert syndrome 23 (JBTS23). Identifiers: Orphanet 475, MedGen C4084822, MONDO:0014664, OMIM 616490.
Short-rib thoracic dysplasia 14 with polydactyly (SRTD14). Identifiers: Orphanet 397715, MedGen C4225286, MONDO:0014688, OMIM 616546.

Allele frequency attached by ClinVar (database versions not stated): gnomAD 0.00001; gnomAD exomes 0.00001 and 0.00005; ExAC 0.00004; 1000 Genomes Project 30x 0.00016; 1000 Genomes Project 0.00020.
gnomAD v4.1: 22 of 1,598,534 alleles (0.0014%); highest among the groups gnomAD compares: South Asian, 0.022%; no homozygotes.

Submission:

Labcorp Genetics (formerly Invitae), Labcorp
Classification: Uncertain significance for Joubert syndrome 23; Short-rib thoracic dysplasia 14 with polydactyly. Last evaluated: 2023-07-10. Review status: criteria provided, single submitter. Criteria: Invitae Variant Classification Sherloc (09022015). Collection method: clinical testing. Allele origin: germline.
Comment: In summary, the available evidence is currently insufficient to determine the role of this variant in disease. Therefore, it has been classified as a Variant of Uncertain Significance. Advanced modeling of protein sequence and biophysical properties (such as structural, functional, and spatial information, amino acid conservation, physicochemical variation, residue mobility, and thermodynamic stability) performed at Invitae indicates that this missense variant is not expected to disrupt KIAA0586 protein function. ClinVar contains an entry for this variant (Variation ID: 1374545). This variant has not been reported in the literature in individuals affected with KIAA0586-related conditions. This variant is present in population databases (rs563531719, gnomAD 0.04%). This sequence change replaces leucine, which is neutral and non-polar, with serine, which is neutral and polar, at codon 376 of the KIAA0586 protein (p.Leu376Ser).

NM_001329943.3(KIAA0586):c.968T>C (p.Leu323Ser)

Gene: KIAA0586 (KIAA0586; plus strand). Cytogenetic location: 14q23.1.
Variant type: single nucleotide variant.
Coding change: c.968T>C on transcript NM_001329943.3 (MANE Select); coding-DNA position 968, T replaced by C.
Protein change: p.Leu323Ser; replaces leucine 323 with serine.
Molecular consequence: missense variant.
Genome position (GRCh38, 1-based): chr14:58,450,585, T>C. VCF-style: chr14-58450585-T-C. GRCh37 (hg19) VCF-style: chr14-58917303-T-C.
Other names: c.1127T>C, p.Leu376Ser (NM_001244189.2); c.923T>C, p.Leu308Ser (NM_001244190.2); c.713T>C, p.Leu238Ser (NM_001244191.2, NM_001329945.2, NM_001364700.1 and 1 more transcripts); c.836T>C, p.Leu279Ser (NM_001244192.2); c.548T>C, p.Leu183Ser (NM_001244193.2); c.968T>C, p.Leu323Ser (NM_001329944.2, NM_001329946.2, NM_001329947.2 and 1 more transcripts); short protein forms L238S, L323S, L183S, L308S, L279S, L376S.
Identifiers: ClinVar variation 1374545 (VCV001374545.6), dbSNP rs563531719, ClinGen allele CA7205531.
Genomic context (GRCh38, chr14:58,450,585, plus strand): 5'-ATTTTTAAAGCTTTTTAAAAGCAAGTTAAGTTTTTAAAAAATTTTCTGTTAAAGCACCTT[T>C]AAAAGAAGTTGAAGATACGAGTTTTGATAAACAGAAATCTCCTTTGGAGACACCAGCACC-3'
Protein context (NP_001316872.1, residues 313-333): YNTFASKQAP[Leu323Ser]KEVEDTSFDK